The following is an entry in ClinVar:

ClinVar aggregate classification (germline): Benign/Likely benign. Review status: criteria provided, multiple submitters, no conflicts (2 of 4 stars). 4 submissions from 4 submitters: Benign (3); Likely benign (1). Last evaluated 2026-09-01.

Allele frequency attached by ClinVar (database versions not stated): 1000 Genomes Project 30x 0.00219; 1000 Genomes Project 0.00220; TOPMed 0.00264; ESP Exome Variant Server 0.00338; gnomAD 0.00488 and 0.00490; gnomAD exomes 0.00554 and 0.00612; ExAC 0.00580.
gnomAD v4.1: 8,734 of 1,614,198 alleles (0.54%); highest among the groups gnomAD compares: Non-Finnish European, 0.51%; 49 homozygotes.

Submissions (4):

CeGaT Center for Human Genetics Tuebingen
Classification: Likely benign. Last evaluated: 2026-09-01. Review status: criteria provided, single submitter. Criteria: CeGaT Center For Human Genetics Tuebingen Variant Classification Criteria Version 2. Collection method: clinical testing. Allele origin: germline. Affected: yes. Observed: 9 variant alleles.
Comment: LACC1: BP4, BS2

Mayo Clinic Laboratories, Mayo Clinic
Classification: Benign. Last evaluated: 2024-01-29. Review status: criteria provided, single submitter. Criteria: ACMG Guidelines, 2015. Collection method: clinical testing. Allele origin: germline. Observed: 4 variant alleles.
Comment: BS1, BS2, BP4

Labcorp Genetics (formerly Invitae), Labcorp
Classification: Benign. Last evaluated: 2019-12-31. Review status: criteria provided, single submitter. Criteria: Invitae Variant Classification Sherloc (09022015). Collection method: clinical testing. Allele origin: germline.

Breakthrough Genomics
Classification: Benign. Review status: criteria provided, single submitter. Criteria: ACMG Guidelines, 2015. Collection method: not provided. Allele origin: germline. Inheritance: Autosomal recessive inheritance. Affected: yes.

Literature cited by the submitters: PubMed 27098602 (cited by Mayo Clinic Laboratories, Mayo Clinic); PubMed 30872671 (cited by Mayo Clinic Laboratories, Mayo Clinic); PubMed 35978195 (cited by Mayo Clinic Laboratories, Mayo Clinic).

NM_153218.4(LACC1):c.112A>G (p.Lys38Glu)

Gene: LACC1 (laccase domain multifunctional purine nucleosidase 1; plus strand). Cytogenetic location: 13q14.11.
Variant type: single nucleotide variant.
Coding change: c.112A>G on transcript NM_153218.4 (MANE Select); coding-DNA position 112, A replaced by G.
Protein change: p.Lys38Glu; replaces lysine 38 with glutamic acid.
Molecular consequence: missense variant. On other transcripts: 5 prime UTR variant (5).
Genome position (GRCh38, 1-based): chr13:43,881,097, A>G. VCF-style: chr13-43881097-A-G. GRCh37 (hg19) VCF-style: chr13-44455233-A-G.
Other names: p.Lys38Glu; c.112A>G, p.Lys38Glu (NM_001128303.2, NM_001350638.2, NM_001350639.2 and 4 more transcripts); c.-407A>G (NM_001350644.2, NM_001350645.2, NM_001350646.2 and 2 more transcripts); short protein forms K38E.
Identifiers: ClinVar variation 721083 (VCV000721083.34), dbSNP rs34414396, ClinGen allele CA6969049.